The following is an entry in ClinVar:

ClinVar aggregate classification (germline): Likely pathogenic (1 of 4 stars; one submission).

Conditions:
X-linked Alport syndrome (ATS1). Also called: NEPHROPATHY AND DEAFNESS, X-LINKED; COL4A5-Related Nephropathy. Identifiers: Orphanet 63, Orphanet 88917, MedGen C4746986, MONDO:0010520, OMIM 301050.

Submission:

3billion
Classification: Likely pathogenic for X-linked Alport syndrome. Last evaluated: 2024-01-22. Review status: criteria provided, single submitter. Criteria: ACMG Guidelines, 2015. Collection method: clinical testing. Allele origin: germline. Affected: yes.
Comment: The variant is not observed in the gnomAD v2.1.1 dataset. Predicted Consequence/Location: The variant is located in a mutational hot spot and/or well-established functional domain in which established pathogenic variants have been reported. In silico tool predictions suggest damaging effect of the variant on gene or gene product [REVEL: 0.99 (>=0.6, sensitivity 0.68 and specificity 0.92); 3Cnet: 0.93 (>=0.6, sensitivity 0.72 and precision 0.9)]. Different missense changes at the same codon (p.Gly641Glu, p.Gly641Val) have been reported to be associated with COL4A5 related disorder (ClinVar ID: VCV000587191 /PMID: 26168235, 30282166). Therefore, this variant is classified as Likely pathogenic according to the recommendation of ACMG/AMP guideline.

Literature cited by the submitters: PubMed 26168235.

NM_033380.3(COL4A5):c.1921G>C (p.Gly641Arg)

Gene: COL4A5 (collagen type IV alpha 5 chain; plus strand). Cytogenetic location: Xq22.3.
Variant type: single nucleotide variant.
Coding change: c.1921G>C on transcript NM_033380.3 (MANE Select); coding-DNA position 1921, G replaced by C.
Protein change: p.Gly641Arg; replaces glycine 641 with arginine.
Molecular consequence: missense variant.
Genome position (GRCh38, 1-based): chrX:108,598,843, G>C. VCF-style: chrX-108598843-G-C. GRCh37 (hg19) VCF-style: chrX-107842073-G-C.
Other names: c.1921G>C, p.Gly641Arg (NM_000495.5); short protein forms G641R.
Identifiers: ClinVar variation 3776137 (VCV003776137.1).
Genomic context (GRCh38, chrX:108,598,843, plus strand): 5'-GGTCCCCCTGGTTTCGGCCCTCCAGGCCCAGTAGGTGAAAAAGGCATACAAGGTGTGGCA[G>C]GAAATCCAGGCCAGCCAGGAATACCAGGTAAGTTTACTGTGTTTTGTTTTAAACTTGGTG-3'
Protein context (NP_203699.1, residues 631-651): VGEKGIQGVA[Gly641Arg]NPGQPGIPGP